The following is an entry in ClinVar:

NM_021620.4(PRDM13):c.1621_1622delinsGG (p.Leu541Gly)

Gene: PRDM13 (PR/SET domain 13; plus strand). Cytogenetic location: 6q16.2.
Variant type: Indel.
Coding change: c.1621_1622delinsGG on transcript NM_021620.4 (MANE Select); coding-DNA positions 1621 to 1622, CT replaced by GG.
Protein change: p.Leu541Gly; replaces leucine 541 with glycine.
Molecular consequence: missense variant.
Genome position (GRCh38, 1-based): chr6:99,614,256-99,614,257, CT replaced by GG. VCF-style: chr6-99614256-CT-GG. GRCh37 (hg19) VCF-style: chr6-100062132-CT-GG.
Other names: short protein forms L541G.
Identifiers: ClinVar variation 2119352 (VCV002119352.4), dbSNP rs2538547474, ClinGen allele CA2580075983.

ClinVar aggregate classification (germline): Uncertain significance (1 of 4 stars; one submission).

Submission:

Labcorp Genetics (formerly Invitae), Labcorp
Classification: Uncertain significance. Last evaluated: 2024-10-16. Review status: criteria provided, single submitter. Criteria: Invitae Variant Classification Sherloc (09022015). Collection method: clinical testing. Allele origin: germline.
Comment: This sequence change replaces leucine, which is neutral and non-polar, with glycine, which is neutral and non-polar, at codon 541 of the PRDM13 protein (p.Leu541Gly). Information on the frequency of this variant in the gnomAD database is not available, as this variant may be reported differently in the database. This variant has not been reported in the literature in individuals affected with PRDM13-related conditions. ClinVar contains an entry for this variant (Variation ID: 2119352). An algorithm developed to predict the effect of missense changes on protein structure and function (PolyPhen-2) suggests that this variant is likely to be disruptive. In summary, the available evidence is currently insufficient to determine the role of this variant in disease. Therefore, it has been classified as a Variant of Uncertain Significance.